The following is an entry in ClinVar:

ClinVar aggregate classification (germline): Likely benign (1 of 4 stars; one submission).

Conditions:
PKD1-related disorder. Also called: PKD1-related condition.

Submission:

PreventionGenetics, part of Exact Sciences
Classification: Likely benign for PKD1-related condition. Last evaluated: 2026-01-08. Review status: criteria provided, single submitter. Criteria: ACMG Guidelines, 2015. Collection method: clinical testing. Allele origin: germline.
Comment: This variant is classified as likely benign based on ACMG/AMP sequence variant interpretation guidelines (Richards et al. 2015 PMID: 25741868, with internal and published modifications).

NM_001009944.3(PKD1):c.11713-26_11713-25insTCCT

Gene: PKD1 (polycystin 1, transient receptor potential channel interacting; minus strand). Cytogenetic location: 16p13.3.
Variant type: Insertion.
Coding change: c.11713-26_11713-25insTCCT on transcript NM_001009944.3 (MANE Select); 26 bases into the intron before coding-DNA position 11713 through 25 bases into the intron before coding-DNA position 11713, TCCT inserted.
Molecular consequence: intron variant.
Genome position: GRCh38 VCF-style: chr16-2091199-C-CAGGA. GRCh37 (hg19) VCF-style: chr16-2141200-C-CAGGA.
Other names: c.11710-26_11710-25insTCCT (NM_000296.4).
Identifiers: ClinVar variation 4983802 (VCV004983802.1).